The following is an entry in ClinVar:

ClinVar aggregate classification (germline): Uncertain significance (1 of 4 stars; one submission).

Conditions:
Familial thoracic aortic aneurysm and aortic dissection (TAAD). Also called: Thoracic aortic aneurysms and dissections. Identifiers: Orphanet 91387, MedGen C4707243, MONDO:0019625.

Submission:

Labcorp Genetics (formerly Invitae), Labcorp
Classification: Uncertain significance for Familial thoracic aortic aneurysm and aortic dissection. Last evaluated: 2025-08-09. Review status: criteria provided, single submitter. Criteria: Invitae Variant Classification Sherloc (09022015). Collection method: clinical testing. Allele origin: germline.
Comment: This sequence change replaces valine, which is neutral and non-polar, with methionine, which is neutral and non-polar, at codon 279 of the TGFBR1 protein (p.Val279Met). This variant is not present in population databases (gnomAD no frequency). This variant has not been reported in the literature in individuals affected with TGFBR1-related conditions. ClinVar contains an entry for this variant (Variation ID: 3698059). Invitae Evidence Modeling of protein sequence and biophysical properties (such as structural, functional, and spatial information, amino acid conservation, physicochemical variation, residue mobility, and thermodynamic stability) indicates that this missense variant is expected to disrupt TGFBR1 protein function with a positive predictive value of 80%. This variant disrupts the p.Val279 amino acid residue in TGFBR1. Other variant(s) that disrupt this residue have been determined to be pathogenic (internal data). This suggests that this residue is clinically significant, and that variants that disrupt this residue are likely to be disease-causing. In summary, the available evidence is currently insufficient to determine the role of this variant in disease. Therefore, it has been classified as a Variant of Uncertain Significance.

NM_004612.4(TGFBR1):c.835G>A (p.Val279Met)

Gene: TGFBR1 (transforming growth factor beta receptor 1; plus strand). Cytogenetic location: 9q22.33.
Variant type: single nucleotide variant.
Coding change: c.835G>A on transcript NM_004612.4 (MANE Select); coding-DNA position 835, G replaced by A.
Protein change: p.Val279Met; replaces valine 279 with methionine.
Molecular consequence: missense variant. On other transcripts: non-coding transcript variant (4), intron variant (2).
Genome position (GRCh38, 1-based): chr9:99,142,565, G>A. VCF-style: chr9-99142565-G-A. GRCh37 (hg19) VCF-style: chr9-101904847-G-A.
Other names: c.604G>A, p.Val202Met (NM_001130916.3, NM_001407435.1); c.847G>A, p.Val283Met (NM_001306210.2); c.640G>A, p.Val214Met (NM_001407418.1, NM_001407419.1, NM_001407420.1 and 1 more transcripts); c.628G>A, p.Val210Met (NM_001407423.1, NM_001407424.1, NM_001407425.1 and 8 more transcripts); c.589G>A, p.Val197Met (NM_001407436.1); c.127G>A, p.Val43Met (NM_001407437.1); c.358G>A, p.Val120Met (NM_001407438.1); c.818-2167G>A (NM_001407416.1); and 1 more; short protein forms V214M, V120M, V197M, V283M, V43M, V202M, V210M, V279M.
Identifiers: ClinVar variation 3698059 (VCV003698059.2).